The following is an entry in ClinVar:

ClinVar aggregate classification (germline): Likely benign. Review status: criteria provided, single submitter (1 of 4 stars). 2 submissions from 2 submitters: Likely benign (1). 1 of the submissions does not count toward it. Last evaluated 2024-03-13.

Conditions:
SLC26A3-related disorder. Also called: SLC26A3-related condition.

Allele frequency attached by ClinVar (database versions not stated): gnomAD 0.00001; gnomAD exomes 0.00001; ExAC 0.00002; TOPMed 0.00002; ESP Exome Variant Server 0.00008.
gnomAD v4.1: 18 of 1,614,050 alleles (0.0011%); highest among the groups gnomAD compares: African/African-American, 0.004%; no homozygotes.

Submissions (2):

Labcorp Genetics (formerly Invitae), Labcorp
Classification: Likely benign. Last evaluated: 2024-03-13. Review status: criteria provided, single submitter. Criteria: Invitae Variant Classification Sherloc (09022015). Collection method: clinical testing. Allele origin: germline.

PreventionGenetics, part of Exact Sciences
Classification: Likely benign for SLC26A3-related condition. Last evaluated: 2019-02-27. Review status: no assertion criteria provided. Collection method: clinical testing. Allele origin: germline. Not counted in ClinVar's aggregate classification.
Comment: This variant is classified as likely benign based on ACMG/AMP sequence variant interpretation guidelines (Richards et al. 2015 PMID: 25741868, with internal and published modifications).

NM_000111.3(SLC26A3):c.1623A>G (p.Pro541=)

Gene: SLC26A3 (solute carrier family 26 member 3; minus strand). Cytogenetic location: 7q22.3.
Variant type: single nucleotide variant.
Coding change: c.1623A>G on transcript NM_000111.3 (MANE Select); coding-DNA position 1623, A replaced by G.
Protein change: p.Pro541=; no amino-acid change (proline 541 retained).
Molecular consequence: synonymous variant.
Genome position (GRCh38, 1-based): chr7:107,776,506, T>C on the plus strand (A>G on the coding strand, the complement: SLC26A3 is on the minus strand). VCF-style: chr7-107776506-T-C. GRCh37 (hg19) VCF-style: chr7-107416951-T-C.
Other names: c.1623A>G (NM_000111.2).
Identifiers: ClinVar variation 1618568 (VCV001618568.10), dbSNP rs368930571, ClinGen allele CA4433762.
Genomic context (GRCh38, chr7:107,776,506, plus strand): 5'-CCTTACAGCATCGATAAGTTTCCGCCTAAAGAAACCAATGTTTGCAAAGTAGATAGGAGA[T>C]GGACATCTGAAAATTTTCACTCCTTCTGGCTCATACATCTGTAAGGCAGAGAAGCATTGT-3'
Protein context (NP_000102.1, residues 531-551): EPEGVKIFRC[Pro541=]SPIYFANIGF